The following is an entry in ClinVar:

ClinVar aggregate classification (germline): Pathogenic/Likely pathogenic. Review status: criteria provided, multiple submitters, no conflicts (2 of 4 stars). 3 submissions from 3 submitters: Pathogenic (1); Likely pathogenic (1). 1 of the submissions does not count toward it. Last evaluated 2024-10-18.

Conditions:
Dilated cardiomyopathy 1G (CMD1G). Identifiers: Orphanet 154, MedGen C1858763, MONDO:0011400, OMIM 604145.
Autosomal recessive limb-girdle muscular dystrophy type 2J (LGMDR10). Also called: MUSCULAR DYSTROPHY, LIMB-GIRDLE, AUTOSOMAL RECESSIVE 10; Limb-girdle muscular dystrophy, type 2J. Identifiers: Orphanet 140922, MedGen C1837342, MONDO:0012127, OMIM 608807.
Hypertrophic cardiomyopathy 9. Also called: Familial hypertrophic cardiomyopathy 9. Identifiers: MedGen C1861065, MONDO:0013412, OMIM 613765.
Tibial muscular dystrophy (TMD). Also called: Udd Distal Myopathy – Tibial Muscular Dystrophy; Tibial muscular dystrophy, tardive; UDD MYOPATHY. Identifiers: Orphanet 609, MedGen C1838244, MONDO:0010870, OMIM 600334.
Myopathy, myofibrillar, 9, with early respiratory failure (MFM9). Also called: EDSTROM MYOPATHY; MYOPATHY, PROXIMAL, WITH EARLY RESPIRATORY MUSCLE INVOLVEMENT; Myopathy, distal, with early respiratory failure, autosomal dominant; Hereditary myopathy with early respiratory failure. Identifiers: Orphanet 178464, Orphanet 34521, MedGen C1863599, MONDO:0011362, OMIM 603689.
Early-onset myopathy with fatal cardiomyopathy (CMYO5). Also called: CONGENITAL MYOPATHY 5 WITH CARDIOMYOPATHY; Salih Myopathy. Identifiers: Orphanet 289377, MedGen C2673677, MONDO:0012714, OMIM 611705. Disease mechanism: loss of function.

Allele frequency attached by ClinVar (database versions not stated): TOPMed below 0.00001; ExAC 0.00001; gnomAD exomes 0.00001.
gnomAD v4.1: 3 of 1,547,736 alleles (0.00019%); highest among the groups gnomAD compares: East Asian, 0.0068%; no homozygotes.

Submissions (3):

Labcorp Genetics (formerly Invitae), Labcorp
Classification: Pathogenic for Dilated cardiomyopathy 1G; Autosomal recessive limb-girdle muscular dystrophy type 2J. Last evaluated: 2024-10-18. Review status: criteria provided, single submitter. Criteria: Invitae Variant Classification Sherloc (09022015). Collection method: clinical testing. Allele origin: germline.
Comment: This sequence change affects an acceptor splice site in intron 49 of the TTN gene. It is expected to disrupt RNA splicing and likely results in a truncated or disrupted TTN protein. This variant is present in population databases (rs747942388, gnomAD 0.01%). Disruption of this splice site has been observed in individual(s) with autosomal recessive TTN-related conditions (PMID: 27868403). In at least one individual the data is consistent with being in trans (on the opposite chromosome) from a pathogenic variant. It has also been observed to segregate with disease in related individuals. ClinVar contains an entry for this variant (Variation ID: 2203227). Algorithms developed to predict the effect of sequence changes on RNA splicing suggest that this variant may disrupt the consensus splice site. This variant is located in the I band of TTN (PMID: 25589632). Truncating variants in this region have been reported in individuals affected with autosomal recessive centronuclear myopathy (PMID: 23975875, internal data). Truncating variants in this region have also been identified in individuals affected with autosomal dominant dilated cardiomyopathy and/or cardio-related conditions (PMID: 27869827, 32964742, internal data). For these reasons, this variant has been classified as Pathogenic.

Juno Genomics, Hangzhou Juno Genomics, Inc
Classification: Likely pathogenic for Early-onset myopathy with fatal cardiomyopathy; Hypertrophic cardiomyopathy 9; Myopathy, myofibrillar, 9, with early respiratory failure; Tibial muscular dystrophy; Dilated cardiomyopathy 1G; Autosomal recessive limb-girdle muscular dystrophy type 2J. Review status: criteria provided, single submitter. Criteria: ACMG Guidelines, 2015. Collection method: clinical testing. Allele origin: germline.
Comment: Absent from controls (or at extremely low frequency if recessive) in Genome Aggregation Database.;Null variant in a gene where loss of function (LOF) is a known mechanism of disease.;For recessive disorders, detected in trans with a pathogenic variant.;Patient's phenotype or family history is highly specific for a disease with a single genetic etiology.;Co-segregation with disease in multiple affected family members.

Cardiogenetics and Myogenetics Molecular and Cellular Functional Unit, Aphp Sorbonne University-Hopital Pitie Salpetriere
Classification: Uncertain significance for Dilated cardiomyopathy 1G. Last evaluated: 2024-01-06. Review status: no assertion criteria provided. Collection method: clinical testing. Allele origin: germline. Affected: yes. Not counted in ClinVar's aggregate classification.

Literature cited by the submitters: PubMed 27868403 (cited by Labcorp Genetics (formerly Invitae), Labcorp); PubMed 25589632 (cited by Labcorp Genetics (formerly Invitae), Labcorp); PubMed 23975875 (cited by Labcorp Genetics (formerly Invitae), Labcorp); PubMed 27869827 (cited by Labcorp Genetics (formerly Invitae), Labcorp); PubMed 32964742 (cited by Labcorp Genetics (formerly Invitae), Labcorp).

NM_001267550.2(TTN):c.14372-2A>G

Gene: TTN (titin; minus strand). Cytogenetic location: 2q31.2.
Variant type: single nucleotide variant.
Coding change: c.14372-2A>G on transcript NM_001267550.2 (MANE Select); the canonical splice acceptor site of the intron before coding-DNA position 14372, A replaced by G.
Molecular consequence: splice acceptor variant. On other transcripts: intron variant (3).
Genome position (GRCh38, 1-based): chr2:178,736,076, T>C on the plus strand (A>G on the coding strand, the complement: TTN is on the minus strand). VCF-style: chr2-178736076-T-C. GRCh37 (hg19) VCF-style: chr2-179600803-T-C.
Other names: c.13282+2006A>G (NM_003319.4); c.13858+2006A>G (NM_133437.4); c.13657+2006A>G (NM_133432.3); c.10640-2A>G (NM_133378.4); c.13421-2A>G (NM_001256850.1).
Identifiers: ClinVar variation 2203227 (VCV002203227.7), dbSNP rs747942388, ClinGen allele CA2002407.